The following is an entry in ClinVar:

ClinVar aggregate classification (germline): Benign. Review status: criteria provided, multiple submitters, no conflicts (2 of 4 stars). 7 submissions from 7 submitters: Benign (3). 4 of the submissions do not count toward it. Last evaluated 2026-01-26.

Conditions:
SUCLG1-related disorder. Also called: SUCLG1-related condition.
Mitochondrial DNA depletion syndrome 9 (MTDPS9). Also called: SUCLG1-Related Mitochondrial DNA Depletion Syndrome, Encephalomyopathic Form with Methylmalonic Aciduria. Identifiers: Orphanet 17, MedGen C3151476, MONDO:0009504, OMIM 245400.

Allele frequency attached by ClinVar (database versions not stated): gnomAD exomes 0.00041 and 0.00174; gnomAD 0.00063 and 0.00084; TOPMed 0.00087; ExAC 0.00151; 1000 Genomes Project 30x 0.00484; 1000 Genomes Project 0.00499.
gnomAD v4.1: 853 of 1,613,882 alleles (0.053%); highest among the groups gnomAD compares: East Asian, 1.4%; 10 homozygotes.

Submissions (7):

Labcorp Genetics (formerly Invitae), Labcorp
Classification: Benign for Mitochondrial DNA depletion syndrome 9. Last evaluated: 2026-01-26. Review status: criteria provided, single submitter. Criteria: Invitae Variant Classification Sherloc (09022015). Collection method: clinical testing. Allele origin: germline.

Mayo Clinic Laboratories, Mayo Clinic
Classification: Benign. Last evaluated: 2025-04-15. Review status: criteria provided, single submitter. Criteria: ACMG Guidelines, 2015. Collection method: clinical testing. Allele origin: germline. Observed: 2 variant alleles.
Comment: BS1, BS2, BP4, BP7

GeneDx
Classification: Benign. Last evaluated: 2013-11-14. Review status: criteria provided, single submitter. Criteria: GeneDx Variant Classification (06012015). Collection method: clinical testing. Allele origin: germline. Affected: yes.
Comment: This variant is considered likely benign or benign based on one or more of the following criteria: it is a conservative change, it occurs at a poorly conserved position in the protein, it is predicted to be benign by multiple in silico algorithms, and/or has population frequency not consistent with disease.

PreventionGenetics, part of Exact Sciences
Classification: Benign for SUCLG1-related condition. Last evaluated: 2024-08-05. Review status: no assertion criteria provided. Collection method: clinical testing. Allele origin: germline. Not counted in ClinVar's aggregate classification.
Comment: This variant is classified as benign based on ACMG/AMP sequence variant interpretation guidelines (Richards et al. 2015 PMID: 25741868, with internal and published modifications).

Elsea Laboratory, Baylor College of Medicine
Classification: Likely benign for Mitochondrial DNA depletion syndrome 9. Last evaluated: 2020-04-01. Review status: no assertion criteria provided. Collection method: clinical testing. Allele origin: germline. Affected: no. Not counted in ClinVar's aggregate classification.

Clinical Genetics DNA and cytogenetics Diagnostics Lab, Erasmus MC, Erasmus Medical Center
Classification: Benign. Review status: no assertion criteria provided. Collection method: clinical testing. Allele origin: germline. Affected: yes. Study: VKGL Data-share Consensus. Not counted in ClinVar's aggregate classification.

Diagnostic Laboratory, Department of Genetics, University Medical Center Groningen
Classification: Likely benign. Review status: no assertion criteria provided. Collection method: clinical testing. Allele origin: germline. Affected: yes. Study: VKGL Data-share Consensus. Not counted in ClinVar's aggregate classification.

NM_003849.4(SUCLG1):c.202-4T>C

Gene: SUCLG1 (succinate-CoA ligase GDP/ADP-forming subunit alpha; minus strand). Cytogenetic location: 2p11.2.
Variant type: single nucleotide variant.
Coding change: c.202-4T>C on transcript NM_003849.4 (MANE Select); 4 bases into the intron before coding-DNA position 202, T replaced by C.
Molecular consequence: intron variant.
Genome position (GRCh38, 1-based): chr2:84,443,404, A>G on the plus strand (T>C on the coding strand, the complement: SUCLG1 is on the minus strand). VCF-style: chr2-84443404-A-G. GRCh37 (hg19) VCF-style: chr2-84670528-A-G.
Other names: p.?.
Identifiers: ClinVar variation 139369 (VCV000139369.24), dbSNP rs141973418, ClinGen allele CA293817.
Genomic context (GRCh38, chr2:84,443,404, plus strand): 5'-GGTTCCTCCAACGAGTTTGGTGCCATATTCCAATGCCTGCTGGCTGTGAAAGGTGCCCTG[A>G]GGGGAAAAAGCACAAGATCCATGAGAAACAGCAGACTGGTAAGCCCAAGAGAAGCAAAAG-3'